The following is an entry in ClinVar:

ClinVar aggregate classification (germline): Uncertain significance (1 of 4 stars; one submission).

Submission:

Ambry Genetics
Classification: Uncertain significance. Last evaluated: 2025-06-25. Review status: criteria provided, single submitter. Criteria: Ambry Variant Classification Scheme 2023. Collection method: clinical testing. Allele origin: germline.
Comment: The p.P1585L variant (also known as c.4754C>T), located in coding exon 42 of the KIF1B gene, results from a C to T substitution at nucleotide position 4754. The proline at codon 1585 is replaced by leucine, an amino acid with similar properties. This amino acid position is conserved. In addition, this alteration is predicted to be tolerated by in silico analysis. Based on the available evidence, the clinical significance of this variant remains unclear.

NM_001365951.3(KIF1B):c.4892C>T (p.Pro1631Leu)

Gene: KIF1B (kinesin family member 1B; plus strand). Cytogenetic location: 1p36.22.
Variant type: single nucleotide variant.
Coding change: c.4892C>T on transcript NM_001365951.3 (MANE Select); coding-DNA position 4892, C replaced by T.
Protein change: p.Pro1631Leu; replaces proline 1631 with leucine.
Molecular consequence: missense variant.
Genome position (GRCh38, 1-based): chr1:10,371,208, C>T. VCF-style: chr1-10371208-C-T. GRCh37 (hg19) VCF-style: chr1-10431266-C-T.
Other names: c.4892C>T, p.Pro1631Leu (NM_001365952.1); c.4754C>T, p.Pro1585Leu (NM_015074.3); short protein forms P1585L, P1631L.
Identifiers: ClinVar variation 4092330 (VCV004092330.1).